The following is an entry in ClinVar:

ClinVar aggregate classification (germline): Uncertain significance (1 of 4 stars; one submission).

Conditions:
Developmental and epileptic encephalopathy, 36 (DEE36). Also called: Congenital disorder of glycosylation, type Is; ALG13-CDG; Epileptic encephalopathy, early infantile, 36. Identifiers: Orphanet 324422, MedGen C4317295, MONDO:0010472, OMIM 300884.

Submission:

Labcorp Genetics (formerly Invitae), Labcorp
Classification: Uncertain significance for Developmental and epileptic encephalopathy, 36. Last evaluated: 2022-06-25. Review status: criteria provided, single submitter. Criteria: Invitae Variant Classification Sherloc (09022015). Collection method: clinical testing. Allele origin: germline.
Comment: In summary, the available evidence is currently insufficient to determine the role of this variant in disease. Therefore, it has been classified as a Variant of Uncertain Significance. Algorithms developed to predict the effect of missense changes on protein structure and function (SIFT, PolyPhen-2, Align-GVGD) all suggest that this variant is likely to be tolerated. This variant has not been reported in the literature in individuals affected with ALG13-related conditions. This variant is not present in population databases (gnomAD no frequency). This sequence change replaces proline, which is neutral and non-polar, with leucine, which is neutral and non-polar, at codon 931 of the ALG13 protein (p.Pro931Leu).

NM_001099922.3(ALG13):c.2792C>T (p.Pro931Leu)

Gene: ALG13 (ALG13 UDP-N-acetylglucosaminyltransferase subunit; plus strand). Cytogenetic location: Xq23.
Variant type: single nucleotide variant.
Coding change: c.2792C>T on transcript NM_001099922.3 (MANE Select); coding-DNA position 2792, C replaced by T.
Protein change: p.Pro931Leu; replaces proline 931 with leucine.
Molecular consequence: missense variant. On other transcripts: intron variant (5).
Genome position (GRCh38, 1-based): chrX:111,744,764, C>T. VCF-style: chrX-111744764-C-T. GRCh37 (hg19) VCF-style: chrX-110987992-C-T.
Other names: c.2558C>T, p.Pro853Leu (NM_001257231.2); c.2383+7885C>T (NM_001257237.2, NM_001257234.2, NM_001257230.2); c.2209+7885C>T (NM_001324293.1); c.2695+7885C>T (NM_001324292.2); short protein forms P853L, P931L.
Identifiers: ClinVar variation 2007064 (VCV002007064.4), dbSNP rs2526301196, ClinGen allele CA414291529.